The following is an entry in ClinVar:

ClinVar aggregate classification (germline): Uncertain significance. Review status: criteria provided, multiple submitters, no conflicts (2 of 4 stars). 2 submissions from 2 submitters: Uncertain significance (2). Last evaluated 2022-10-12.

Conditions:
Familial cancer of breast. Also called: BREAST CANCER, FAMILIAL; Hereditary breast cancer; hereditary breast carcinoma. Identifiers: Orphanet 227535, MedGen C0346153, MONDO:0016419, OMIM 114480. Disease mechanism: loss of function.
Hereditary cancer-predisposing syndrome. Also called: Neoplastic Syndromes, Hereditary; Tumor predisposition; Hereditary Cancer Syndrome; Hereditary neoplastic syndrome. Identifiers: Orphanet 140162, MedGen C0027672, MeSH D009386, MONDO:0015356.

Allele frequency attached by ClinVar (database versions not stated): TOPMed below 0.00001.

Submissions (2):

Ambry Genetics
Classification: Uncertain significance for Hereditary cancer-predisposing syndrome. Last evaluated: 2022-10-12. Review status: criteria provided, single submitter. Criteria: Ambry Variant Classification Scheme 2023. Collection method: clinical testing. Allele origin: germline.
Comment: The p.K595E variant (also known as c.1783A>G), located in coding exon 8 of the BARD1 gene, results from an A to G substitution at nucleotide position 1783. The lysine at codon 595 is replaced by glutamic acid, an amino acid with similar properties. This amino acid position is highly conserved through mammals but not in all available vertebrate species. In addition, the in silico prediction for this alteration is inconclusive. Since supporting evidence is limited at this time, the clinical significance of this alteration remains unclear.

Labcorp Genetics (formerly Invitae), Labcorp
Classification: Uncertain significance for Familial cancer of breast. Last evaluated: 2021-08-31. Review status: criteria provided, single submitter. Criteria: Invitae Variant Classification Sherloc (09022015). Collection method: clinical testing. Allele origin: germline.
Comment: This sequence change replaces lysine with glutamic acid at codon 595 of the BARD1 protein (p.Lys595Glu). The lysine residue is moderately conserved and there is a small physicochemical difference between lysine and glutamic acid. This variant is not present in population databases (ExAC no frequency). This variant has not been reported in the literature in individuals affected with BARD1-related conditions. ClinVar contains an entry for this variant (Variation ID: 482833). Algorithms developed to predict the effect of missense changes on protein structure and function (SIFT, PolyPhen-2, Align-GVGD) all suggest that this variant is likely to be tolerated. In summary, the available evidence is currently insufficient to determine the role of this variant in disease. Therefore, it has been classified as a Variant of Uncertain Significance.

NM_000465.4(BARD1):c.1783A>G (p.Lys595Glu)

Gene: BARD1 (BRCA1 associated RING domain 1; minus strand). Cytogenetic location: 2q35.
Variant type: single nucleotide variant.
Coding change: c.1783A>G on transcript NM_000465.4 (MANE Select); coding-DNA position 1783, A replaced by G.
Protein change: p.Lys595Glu; replaces lysine 595 with glutamic acid.
Molecular consequence: missense variant. On other transcripts: non-coding transcript variant (3), intron variant (1).
Genome position (GRCh38, 1-based): chr2:214,745,749, T>C on the plus strand (A>G on the coding strand, the complement: BARD1 is on the minus strand). VCF-style: chr2-214745749-T-C. GRCh37 (hg19) VCF-style: chr2-215610473-T-C.
Other names: c.365-15241A>G (NM_001282549.2); c.1726A>G, p.Lys576Glu (NM_001282543.2); c.430A>G, p.Lys144Glu (NM_001282545.2); c.373A>G, p.Lys125Glu (NM_001282548.2); short protein forms K595E, K125E, K576E, K144E.
Identifiers: ClinVar variation 482833 (VCV000482833.12), dbSNP rs1393141051, ClinGen allele CA350452672.
Genomic context (GRCh38, chr2:214,745,749, plus strand): 5'-TCTACCCCACCTCCCAAAATTCAAAATCCTCACCTGTACTGTCAAACTCAGTATATTTTT[T>C]AGCCTTAAGAATTACTGCAAGCTCACTGAGCATTTTCTGTTGTTCTGAAGACAGCCCACT-3'
Protein context (NP_000456.2, residues 585-605): LSELAVILKA[Lys595Glu]KYTEFDSTVT